The following is an entry in ClinVar:

ClinVar aggregate classification (germline): Uncertain significance (1 of 4 stars; one submission).

Conditions:
Aortic valve disease 2 (AOVD2). Identifiers: MedGen C3542024, MONDO:0013902, OMIM 614823.

gnomAD v4.1: 1 of 1,608,576 alleles (0.000062%); highest among the groups gnomAD compares: Non-Finnish European, 0.000085%; no homozygotes.

Submission:

Labcorp Genetics (formerly Invitae), Labcorp
Classification: Uncertain significance for Aortic valve disease 2. Last evaluated: 2021-01-19. Review status: criteria provided, single submitter. Criteria: Invitae Variant Classification Sherloc (09022015). Collection method: clinical testing. Allele origin: germline.
Comment: In summary, the available evidence is currently insufficient to determine the role of this variant in disease. Therefore, it has been classified as a Variant of Uncertain Significance. Algorithms developed to predict the effect of missense changes on protein structure and function (SIFT, PolyPhen-2, Align-GVGD) all suggest that this variant is likely to be disruptive, but these predictions have not been confirmed by published functional studies and their clinical significance is uncertain. This variant has not been reported in the literature in individuals with SMAD6-related conditions. This variant is not present in population databases (ExAC no frequency). This sequence change replaces glycine with cysteine at codon 365 of the SMAD6 protein (p.Gly365Cys). The glycine residue is highly conserved and there is a large physicochemical difference between glycine and cysteine.

NM_005585.5(SMAD6):c.1093G>T (p.Gly365Cys)

Gene: SMAD6 (SMAD family member 6; plus strand). Cytogenetic location: 15q22.31.
Variant type: single nucleotide variant.
Coding change: c.1093G>T on transcript NM_005585.5 (MANE Select); coding-DNA position 1093, G replaced by T.
Protein change: p.Gly365Cys; replaces glycine 365 with cysteine.
Molecular consequence: missense variant. On other transcripts: non-coding transcript variant (1).
Genome position (GRCh38, 1-based): chr15:66,781,137, G>T. VCF-style: chr15-66781137-G-T. GRCh37 (hg19) VCF-style: chr15-67073475-G-T.
Other names: short protein forms G365C.
Identifiers: ClinVar variation 1440289 (VCV001440289.8), dbSNP rs1176080464, ClinGen allele CA393201848.